The following is an entry in ClinVar:

ClinVar aggregate classification (germline): Uncertain significance (1 of 4 stars; one submission).

Conditions:
Dilated cardiomyopathy 1JJ (CMD1JJ). Identifiers: Orphanet 154, MedGen C3808935, MONDO:0014095, OMIM 615235.

Allele frequency attached by ClinVar (database versions not stated): TOPMed 0.00001; gnomAD 0.00001; gnomAD exomes 0.00003 and 0.00008; ExAC 0.00016.
gnomAD v4.1: 38 of 1,612,494 alleles (0.0024%); highest among the groups gnomAD compares: Non-Finnish European, 0.0029%; no homozygotes.

Submission:

Labcorp Genetics (formerly Invitae), Labcorp
Classification: Uncertain significance for Dilated cardiomyopathy 1JJ. Last evaluated: 2022-07-05. Review status: criteria provided, single submitter. Criteria: Invitae Variant Classification Sherloc (09022015). Collection method: clinical testing. Allele origin: germline.
Comment: This sequence change replaces glutamine, which is neutral and polar, with arginine, which is basic and polar, at codon 1356 of the LAMA4 protein (p.Gln1356Arg). In summary, the available evidence is currently insufficient to determine the role of this variant in disease. Therefore, it has been classified as a Variant of Uncertain Significance. Algorithms developed to predict the effect of sequence changes on RNA splicing suggest that this variant may create or strengthen a splice site. Algorithms developed to predict the effect of missense changes on protein structure and function are either unavailable or do not agree on the potential impact of this missense change (SIFT: "Tolerated"; PolyPhen-2: "Probably Damaging"; Align-GVGD: "Class C0"). ClinVar contains an entry for this variant (Variation ID: 858914). This variant has not been reported in the literature in individuals affected with LAMA4-related conditions. This variant is present in population databases (rs782230925, gnomAD 0.02%).

NM_001105206.3(LAMA4):c.4088A>G (p.Gln1363Arg)

Gene: LAMA4 (laminin subunit alpha 4; minus strand). Cytogenetic location: 6q21.
Variant type: single nucleotide variant.
Coding change: c.4088A>G on transcript NM_001105206.3 (MANE Select); coding-DNA position 4088, A replaced by G.
Protein change: p.Gln1363Arg; replaces glutamine 1363 with arginine.
Molecular consequence: missense variant.
Genome position (GRCh38, 1-based): chr6:112,129,921, T>C on the plus strand (A>G on the coding strand, the complement: LAMA4 is on the minus strand). VCF-style: chr6-112129921-T-C. GRCh37 (hg19) VCF-style: chr6-112451123-T-C.
Other names: c.4067A>G, p.Gln1356Arg (NM_001105207.3, NM_002290.5); short protein forms Q1356R, Q1363R.
Identifiers: ClinVar variation 858914 (VCV000858914.9), dbSNP rs782230925, ClinGen allele CA3965060.